The following is an entry in ClinVar:

ClinVar aggregate classification (germline): Uncertain significance (1 of 4 stars; one submission).

Conditions:
Seizures, benign familial infantile, 3 (BFIS3). Also called: Familial neonatal seizures; CONVULSIONS, BENIGN FAMILIAL INFANTILE, 3. Identifiers: Orphanet 140927, Orphanet 306, MedGen C1843140, MONDO:0011904, OMIM 607745.
Developmental and epileptic encephalopathy, 11 (DEE11). Also called: Early infantile epileptic encephalopathy 11. Identifiers: Orphanet 1934, MedGen C3150987, MONDO:0013388, OMIM 613721.

Submission:

Labcorp Genetics (formerly Invitae), Labcorp
Classification: Uncertain significance for Seizures, benign familial infantile, 3; Developmental and epileptic encephalopathy, 11. Last evaluated: 2020-12-09. Review status: criteria provided, single submitter. Criteria: Invitae Variant Classification Sherloc (09022015). Collection method: clinical testing. Allele origin: germline.
Comment: In summary, the available evidence is currently insufficient to determine the role of this variant in disease. Therefore, it has been classified as a Variant of Uncertain Significance. This sequence change replaces serine with leucine at codon 413 of the SCN2A protein (p.Ser413Leu). The serine residue is highly conserved and there is a large physicochemical difference between serine and leucine. This variant is not present in population databases (ExAC no frequency). This variant has been observed in individual(s) with clinical features of SCN2A-related conditions (Invitae). Algorithms developed to predict the effect of missense changes on protein structure and function are either unavailable or do not agree on the potential impact of this missense change (SIFT: "Deleterious"; PolyPhen-2: "Probably Damaging"; Align-GVGD: "Class C0").

NM_001040142.2(SCN2A):c.1238C>T (p.Ser413Leu)

Gene: SCN2A (sodium voltage-gated channel alpha subunit 2; plus strand). Cytogenetic location: 2q24.3.
Variant type: single nucleotide variant.
Coding change: c.1238C>T on transcript NM_001040142.2 (MANE Select); coding-DNA position 1238, C replaced by T.
Protein change: p.Ser413Leu; replaces serine 413 with leucine.
Molecular consequence: missense variant.
Genome position (GRCh38, 1-based): chr2:165,313,963, C>T. VCF-style: chr2-165313963-C-T. GRCh37 (hg19) VCF-style: chr2-166170473-C-T.
Other names: c.1238C>T, p.Ser413Leu (NM_001040143.2, NM_001371246.1, NM_001371247.1 and 1 more transcripts); short protein forms S413L.
Identifiers: ClinVar variation 1505502 (VCV001505502.8), dbSNP rs2105255865, ClinGen allele CA349022183.